The following is an entry in ClinVar:

ClinVar aggregate classification (germline): Uncertain significance. Review status: criteria provided, multiple submitters, no conflicts (2 of 4 stars). 6 submissions from 6 submitters: Uncertain significance (6). Last evaluated 2026-04-22.

Conditions:
Ehlers-Danlos syndrome, type 4 (EDSVASC). Also called: Ehlers-Danlos Syndrome Type IV; Ehlers-Danlos syndrome vascular type; Ehlers Danlos syndrome, ecchymotic type; Ehlers Danlos syndrome, arterial type; Ehlers Danlos syndrome, Sack-Barabas type. Identifiers: Orphanet 286, MedGen C0268338, MONDO:0017314, OMIM 130050.
Polymicrogyria with or without vascular-type Ehlers-Danlos syndrome. Identifiers: Orphanet 636941, MedGen C5193040, MONDO:0032688, OMIM 618343.
Familial thoracic aortic aneurysm and aortic dissection (TAAD). Also called: Thoracic aortic aneurysms and dissections. Identifiers: Orphanet 91387, MedGen C4707243, MONDO:0019625.

Allele frequency attached by ClinVar (database versions not stated): gnomAD 0.00001; gnomAD exomes 0.00001; TOPMed 0.00002.
gnomAD v4.1: 7 of 1,613,858 alleles (0.00043%); highest among the groups gnomAD compares: Middle Eastern, 0.016%; no homozygotes.

Submissions (6):

Women's Health and Genetics/Laboratory Corporation of America, LabCorp
Classification: Uncertain significance. Last evaluated: 2026-04-22. Review status: criteria provided, single submitter. Criteria: LabCorp Variant Classification Summary - May 2015. Collection method: clinical testing. Allele origin: germline.
Comment: Variant summary: COL3A1 c.4357G>A (p.Asp1453Asn) results in a conservative amino acid change in the encoded protein sequence. Algorithms developed to predict the effect of missense changes on protein structure and function are either unavailable or do not agree on the potential impact of this missense change. The variant was absent in 251274 control chromosomes. The available data on variant occurrences in the general population are insufficient to allow any conclusion about variant significance. To our knowledge, no occurrence of c.4357G>A in individuals affected with COL3A1-related conditions and no experimental evidence demonstrating its impact on protein function have been reported. ClinVar contains an entry for this variant (Variation ID: 429381). Based on the evidence outlined above, the variant was classified as uncertain significance.

Ambry Genetics
Classification: Uncertain significance for Familial thoracic aortic aneurysm and aortic dissection. Last evaluated: 2024-11-15. Review status: criteria provided, single submitter. Criteria: Ambry Variant Classification Scheme 2023. Collection method: clinical testing. Allele origin: germline.
Comment: The p.D1453N variant (also known as c.4357G>A), located in coding exon 51 of the COL3A1 gene, results from a G to A substitution at nucleotide position 4357. The aspartic acid at codon 1453 is replaced by asparagine, an amino acid with highly similar properties. This variant has been observed in at least one individual with a personal and/or family history of aortic aneurysm/dilation (Ambry internal data). This amino acid position is well conserved in available vertebrate species. In addition, this alteration is predicted to be tolerated by in silico analysis. Based on the available evidence, the clinical significance of this variant remains unclear.

Labcorp Genetics (formerly Invitae), Labcorp
Classification: Uncertain significance for Ehlers-Danlos syndrome, type 4. Last evaluated: 2024-10-21. Review status: criteria provided, single submitter. Criteria: Invitae Variant Classification Sherloc (09022015). Collection method: clinical testing. Allele origin: germline.
Comment: This sequence change replaces aspartic acid, which is acidic and polar, with asparagine, which is neutral and polar, at codon 1453 of the COL3A1 protein (p.Asp1453Asn). This variant is not present in population databases (gnomAD no frequency). This variant has not been reported in the literature in individuals affected with COL3A1-related conditions. ClinVar contains an entry for this variant (Variation ID: 429381). Invitae Evidence Modeling of protein sequence and biophysical properties (such as structural, functional, and spatial information, amino acid conservation, physicochemical variation, residue mobility, and thermodynamic stability) indicates that this missense variant is not expected to disrupt COL3A1 protein function with a negative predictive value of 95%. In summary, the available evidence is currently insufficient to determine the role of this variant in disease. Therefore, it has been classified as a Variant of Uncertain Significance.

GeneDx
Classification: Uncertain significance. Last evaluated: 2024-09-04. Review status: criteria provided, single submitter. Criteria: GeneDx Variant Classification Process June 2021. Collection method: clinical testing. Allele origin: germline. Affected: yes.
Comment: Has not been previously published as pathogenic or benign to our knowledge; Not observed at significant frequency in large population cohorts (gnomAD); In silico analysis supports that this missense variant has a deleterious effect on protein structure/function; Not located in the triple helical region, where the majority of pathogenic missense variants occur (HGMD)

Color Diagnostics, LLC DBA Color Health
Classification: Uncertain significance for Familial thoracic aortic aneurysm and aortic dissection. Last evaluated: 2024-03-06. Review status: criteria provided, single submitter. Criteria: ACMG Guidelines, 2015. Collection method: clinical testing. Allele origin: germline.
Comment: This missense variant replaces aspartic acid with asparagine at codon 1453 of the COL3A1 protein. Computational prediction suggests that this variant may not impact protein structure and function (internally defined REVEL score threshold <= 0.5, PMID: 27666373). To our knowledge, functional studies have not been reported for this variant. This variant has not been reported in individuals affected with cardiovascular disorders in the literature. This variant has not been identified in the general population by the Genome Aggregation Database (gnomAD). The available evidence is insufficient to determine the role of this variant in disease conclusively. Therefore, this variant is classified as a Variant of Uncertain Significance.

Fulgent Genetics
Classification: Uncertain significance for Ehlers-Danlos syndrome, type 4; Polymicrogyria with or without vascular-type Ehlers-Danlos syndrome. Last evaluated: 2021-11-10. Review status: criteria provided, single submitter. Criteria: ACMG Guidelines, 2015. Collection method: clinical testing. Allele origin: unknown.

NM_000090.4(COL3A1):c.4357G>A (p.Asp1453Asn)

Gene: COL3A1 (collagen type III alpha 1 chain; plus strand). Cytogenetic location: 2q32.2.
Variant type: single nucleotide variant.
Coding change: c.4357G>A on transcript NM_000090.4 (MANE Select); coding-DNA position 4357, G replaced by A.
Protein change: p.Asp1453Asn; replaces aspartic acid 1453 with asparagine.
Molecular consequence: missense variant.
Genome position (GRCh38, 1-based): chr2:189,011,730, G>A. VCF-style: chr2-189011730-G-A. GRCh37 (hg19) VCF-style: chr2-189876456-G-A.
Other names: short protein forms D1453N.
Identifiers: ClinVar variation 429381 (VCV000429381.18), dbSNP rs1131691353, ClinGen allele CA349850411.